The following is an entry in ClinVar:

NM_001267550.2(TTN):c.71876A>G (p.Tyr23959Cys)

Genes: TTN (titin; minus strand), TTN-AS1 (TTN antisense RNA 1; plus strand). Cytogenetic location: 2q31.2.
Variant type: single nucleotide variant.
Coding change: c.71876A>G on transcript NM_001267550.2 (MANE Select); coding-DNA position 71876, A replaced by G.
Protein change: p.Tyr23959Cys; replaces tyrosine 23959 with cysteine.
Molecular consequence: missense variant.
Genome position (GRCh38, 1-based): chr2:178,574,256, T>C on the plus strand (A>G on the coding strand, the complement: TTN is on the minus strand). VCF-style: chr2-178574256-T-C. GRCh37 (hg19) VCF-style: chr2-179438983-T-C.
Other names: c.66953A>G, p.Tyr22318Cys (NM_001256850.1); c.44681A>G, p.Tyr14894Cys (NM_003319.4); c.64172A>G, p.Tyr21391Cys (NM_133378.4); c.45056A>G, p.Tyr15019Cys (NM_133432.3); c.45257A>G, p.Tyr15086Cys (NM_133437.4); short protein forms Y22318C, Y15086C, Y21391C, Y23959C, Y14894C, Y15019C.
Identifiers: ClinVar variation 1504021 (VCV001504021.8), dbSNP rs1709290294, ClinGen allele CA349650055.

ClinVar aggregate classification (germline): Uncertain significance (1 of 4 stars; one submission).

Conditions:
Dilated cardiomyopathy 1G (CMD1G). Identifiers: Orphanet 154, MedGen C1858763, MONDO:0011400, OMIM 604145.
Autosomal recessive limb-girdle muscular dystrophy type 2J (LGMDR10). Also called: MUSCULAR DYSTROPHY, LIMB-GIRDLE, AUTOSOMAL RECESSIVE 10; Limb-girdle muscular dystrophy, type 2J. Identifiers: Orphanet 140922, MedGen C1837342, MONDO:0012127, OMIM 608807.

Submission:

Labcorp Genetics (formerly Invitae), Labcorp
Classification: Uncertain significance for Dilated cardiomyopathy 1G; Autosomal recessive limb-girdle muscular dystrophy type 2J. Last evaluated: 2025-01-12. Review status: criteria provided, single submitter. Criteria: Invitae Variant Classification Sherloc (09022015). Collection method: clinical testing. Allele origin: germline.
Comment: This sequence change replaces tyrosine, which is neutral and polar, with cysteine, which is neutral and slightly polar, at codon 23959 of the TTN protein (p.Tyr23959Cys). This variant is not present in population databases (gnomAD no frequency). This missense change has been observed in individual(s) with congenital myopathy (internal data). ClinVar contains an entry for this variant (Variation ID: 1504021). Experimental studies and prediction algorithms are not available or were not evaluated, and the functional significance of this variant is currently unknown. This variant is located in the A band of TTN (PMID: 25589632). Variants in this region may be relevant for cardiac or neuromuscular disorders (PMID: 25589632, 23975875). In summary, the available evidence is currently insufficient to determine the role of this variant in disease. Therefore, it has been classified as a Variant of Uncertain Significance.

Literature cited by the submitters: PubMed 25589632; PubMed 23975875.